The following is an entry in ClinVar:

NM_000179.2(MSH6):c.(?_-152)_457+?del

Genes: MSH6 (mutS homolog 6; plus strand), LOC129933706 (ATAC-STARR-seq lymphoblastoid silent region 11467; plus strand), LOC129933707 (ATAC-STARR-seq lymphoblastoid silent region 11468; plus strand), LOC129933708 (ATAC-STARR-seq lymphoblastoid silent region 11469; plus strand). Cytogenetic location: 2p16.3.
Variant type: Deletion.
Other names: c.(?_-152)_457+?del (LRG_219t1).
Identifiers: ClinVar variation 89150 (VCV000089150.2).

ClinVar aggregate classification (germline): Pathogenic (3 of 4 stars; one submission).

Conditions:
Lynch syndrome. Identifiers: Orphanet 144, MedGen C4552100, MONDO:0005835. Disease mechanism: loss of function.

Submission:

International Society for Gastrointestinal Hereditary Tumours (InSiGHT)
Classification: Pathogenic for Lynch Syndrome. Last evaluated: 2013-09-05. Review status: reviewed by expert panel. Criteria: Guidelines v1.9. Collection method: research. Allele origin: germline.
Comment: Large deletion

Classified with v1.9 guidelines